The following is an entry in ClinVar:

ClinVar aggregate classification (germline): Uncertain significance (1 of 4 stars; one submission).

Conditions:
Developmental and epileptic encephalopathy, 69. Also called: EPILEPTIC ENCEPHALOPATHY, EARLY INFANTILE, 69. Identifiers: MedGen C4748988, MONDO:0032657, OMIM 618285.

Submission:

Clinical Genetics Laboratory, University Hospital Schleswig-Holstein
Classification: Uncertain significance for Developmental and epileptic encephalopathy, 69. Last evaluated: 2025-10-30. Review status: criteria provided, single submitter. Criteria: ACMG Guidelines, 2015. Collection method: clinical testing. Allele origin: germline. Affected: yes. Observed: 1 heterozygote.
Comment: ACMG criteria applied: PM2, PVS1_Moderate

NM_001205293.3(CACNA1E):c.4396_4397del (p.Thr1466fs)

Gene: CACNA1E (calcium voltage-gated channel subunit alpha1 E; plus strand). Cytogenetic location: 1q25.3.
Variant type: Microsatellite.
Coding change: c.4396_4397del on transcript NM_001205293.3 (MANE Select); coding-DNA positions 4396 to 4397, 2 bases deleted (AC; older notation c.4396_4397delAC).
Protein change: p.Thr1466fs; shifts the reading frame from threonine 1466.
Molecular consequence: frameshift variant.
Genome position (GRCh38, 1-based): chr1:181,758,013-181,758,014, AC deleted; deleting any 2 consecutive bases within chr1:181,758,009-181,758,014 gives the same sequence; the c. name uses the placement nearest the transcript's 3' end. VCF-style (leftmost placement, unchanged base first): chr1-181758008-GAC-G. GRCh37 (hg19) VCF-style: chr1-181727144-GAC-G.
Other names: c.4396_4397del, p.Thr1466fs (NM_000721.4); c.4339_4340del, p.Thr1447fs (NM_001205294.2); short protein forms T1447fs, T1466fs.
Identifiers: ClinVar variation 4891264 (VCV004891264.1).